The following is an entry in ClinVar:

ClinVar aggregate classification (germline): Uncertain significance (1 of 4 stars; one submission).

Conditions:
ROBO1-related disorder. Also called: ROBO1-related condition.

Allele frequency attached by ClinVar (database versions not stated): gnomAD 0.00001; TOPMed 0.00001; ExAC 0.00002.
gnomAD v4.1: 30 of 1,613,288 alleles (0.0019%); highest among the groups gnomAD compares: East Asian, 0.0045%; no homozygotes.

Submission:

PreventionGenetics, part of Exact Sciences
Classification: Uncertain significance for ROBO1-related condition. Last evaluated: 2023-08-10. Review status: criteria provided, single submitter. Criteria: ACMG Guidelines, 2015. Collection method: clinical testing. Allele origin: germline.
Comment: The ROBO1 c.1793C>G variant is predicted to result in the amino acid substitution p.Ala598Gly. To our knowledge, this variant has not been reported in the literature. This variant is reported in 0.011% of alleles in individuals of East Asian descent in gnomAD. At this time, the clinical significance of this variant is uncertain due to the absence of conclusive functional and genetic evidence.

NM_002941.4(ROBO1):c.1793C>G (p.Ala598Gly)

Gene: ROBO1 (roundabout guidance receptor 1; minus strand). Cytogenetic location: 3p12.3.
Variant type: single nucleotide variant.
Coding change: c.1793C>G on transcript NM_002941.4 (MANE Select); coding-DNA position 1793, C replaced by G.
Protein change: p.Ala598Gly; replaces alanine 598 with glycine.
Molecular consequence: missense variant.
Genome position (GRCh38, 1-based): chr3:78,668,140, G>C on the plus strand (C>G on the coding strand, the complement: ROBO1 is on the minus strand). VCF-style: chr3-78668140-G-C. GRCh37 (hg19) VCF-style: chr3-78717290-G-C.
Other names: c.1685C>G, p.Ala562Gly (NM_001145844.1, NM_001145845.2, NM_133631.4); short protein forms A562G, A598G.
Identifiers: ClinVar variation 2636743 (VCV002636743.1), dbSNP rs765827912, ClinGen allele CA2498867.